The following is an entry in ClinVar:

ClinVar aggregate classification (germline): Pathogenic/Likely pathogenic. Review status: criteria provided, multiple submitters, no conflicts (2 of 4 stars). 11 submissions from 11 submitters: Pathogenic (2); Likely pathogenic (6). 3 of the submissions do not count toward it. Last evaluated 2026-02-11.

Conditions:
FANCC-related disorder. Also called: FANCC-related condition.
Hereditary cancer-predisposing syndrome. Also called: Neoplastic Syndromes, Hereditary; Hereditary Cancer Syndrome; Tumor predisposition; Hereditary neoplastic syndrome. Identifiers: Orphanet 140162, MedGen C0027672, MeSH D009386, MONDO:0015356.
Fanconi anemia (FA). Also called: Fanconi's anemia. Identifiers: Orphanet 84, MedGen C0015625, MeSH D005199, MONDO:0019391.
Fanconi anemia complementation group C (FANCC). Also called: FANCC-Related Fanconi Anemia; Fanconi anemia, group C; FANCONI PANCYTOPENIA, TYPE 3; FACC. Identifiers: Orphanet 84, MedGen C3468041, MONDO:0009213, OMIM 227645.
Malignant tumor of breast. Also called: Malignant breast neoplasm; Cancer breast. Identifiers: MedGen C0006142, MONDO:0007254. Disease mechanism: loss of function.

Allele frequency attached by ClinVar (database versions not stated): TOPMed below 0.00001; gnomAD exomes 0.00001 and 0.00002; gnomAD 0.00002.
gnomAD v4.1: 15 of 1,613,718 alleles (0.00093%); highest among the groups gnomAD compares: Admixed American, 0.0017%; no homozygotes.

Submissions (11):

St. Jude Molecular Pathology, St. Jude Children's Research Hospital
Classification: Likely pathogenic for Fanconi anemia complementation group C. Last evaluated: 2026-02-11. Review status: criteria provided, single submitter. Criteria: St. Jude Assertion Criteria 2020. Collection method: clinical testing. Allele origin: germline.
Comment: The FANCC c.843+1G>A intronic change results in a G to A substitution at the +1 position of intron 8 of the FANCC gene. This variant is predicted to result in aberrant splicing, resulting in n onsense-mediated decay or an abnormal protein product. This variant has a maximum subpopulation frequency of 0.0028% in gnomAD v2.1.1. This variant has not been reported in the literature in individuals with Fanconi a nemia. In summary, this variant meets criteria to be classified as likely pathogenic.

Labcorp Genetics (formerly Invitae), Labcorp
Classification: Likely pathogenic for Fanconi anemia. Last evaluated: 2026-01-04. Review status: criteria provided, single submitter. Criteria: Invitae Variant Classification Sherloc (09022015). Collection method: clinical testing. Allele origin: germline.
Comment: This sequence change affects a donor splice site in intron 8 of the FANCC gene. It is expected to disrupt RNA splicing. Variants that disrupt the donor or acceptor splice site typically lead to a loss of protein function (PMID: 16199547), and loss-of-function variants in FANCC are known to be pathogenic (PMID: 17924555). This variant is present in population databases (rs587779909, gnomAD 0.003%). Disruption of this splice site has been observed in individual(s) with breast cancer (PMID: 30630526, 32885271). ClinVar contains an entry for this variant (Variation ID: 127547). Algorithms developed to predict the effect of sequence changes on RNA splicing suggest that this variant may disrupt the consensus splice site. In summary, the currently available evidence indicates that the variant is pathogenic, but additional data are needed to prove that conclusively. Therefore, this variant has been classified as Likely Pathogenic.

Natera, Inc.
Classification: Likely pathogenic for Fanconi anemia. Last evaluated: 2025-08-08. Review status: criteria provided, single submitter. Criteria: Natera Variant Classification Schema (03/2026). Collection method: clinical testing. Allele origin: germline.
Comment: The c.843+1G>A variant in FANCC is a canonical splice donor site variant predicted to affect pre-mRNA splicing, which may result in an abnormal transcript and altered protein product. This variant is expected to result in nonsense mediated decay, truncation, or a dysfunctional protein product. This variant is rare in the general population with a frequency below the threshold expected for the associated phenotype(s). Given the available evidence, this variant is classified as Likely Pathogenic.

Blueprint Genetics
Classification: Likely pathogenic for FANCC-related disorders. Last evaluated: 2024-09-05. Review status: criteria provided, single submitter. Criteria: ACMG Guidelines, 2015. Collection method: clinical testing. Allele origin: germline. Affected: yes. Observed: 5 variant alleles.

Ambry Genetics
Classification: Pathogenic for Hereditary cancer-predisposing syndrome. Last evaluated: 2023-06-24. Review status: criteria provided, single submitter. Criteria: Ambry Variant Classification Scheme 2023. Collection method: clinical testing. Allele origin: germline.
Comment: The c.843+1G>A intronic pathogenic mutation results from a G to A substitution one nucleotide after coding exon 7 of the FANCC gene. This alteration was identified as a germline finding in 1/66 Chinese triple negative breast cancer patients who underwent tumor and germline next generation sequencing using a 43-gene panel (Yi D et al. Hum. Genomics, 2019 01;13:4). Another study detected this alteration in 0/3030 pancreatic cancer cases and 2/123136 population controls (Hu C et al. JAMA, 2018 06;319:2401-2409). In silico splice site analysis predicts that this alteration will weaken the native splice donor site. RNA studies have demonstrated that a different alteration impacting the same splice donor site, c.843+5G>A, results in abnormal splicing in the set of samples tested (Ambry internal data). In addition to the clinical data presented in the literature, alterations that disrupt the canonical splice site are expected to cause aberrant splicing, resulting in an abnormal protein or a transcript that is subject to nonsense-mediated mRNA decay. As such, this alteration is classified as a disease-causing mutation.

Baylor Genetics
Classification: Pathogenic for Fanconi anemia complementation group C. Last evaluated: 2023-06-14. Review status: criteria provided, single submitter. Criteria: ACMG Guidelines, 2015. Collection method: clinical testing. Allele origin: unknown.

Women's Health and Genetics/Laboratory Corporation of America, LabCorp
Classification: Likely pathogenic for Fanconi anemia complementation group C. Last evaluated: 2022-07-06. Review status: criteria provided, single submitter. Criteria: LabCorp Variant Classification Summary - May 2015. Collection method: clinical testing. Allele origin: germline.
Comment: Variant summary: FANCC c.843+1G>A is located in a canonical splice-site and is predicted to affect mRNA splicing resulting in a significantly altered protein due to either exon skipping, shortening, or inclusion of intronic material. Several computational tools predict a significant impact on normal splicing: Four predict the variant abolishes a 5' splicing donor site. However, these predictions have yet to be confirmed by functional studies. The variant allele was found at a frequency of 8e-06 in 251408 control chromosomes (gnomAD). The variant, c.843+1G>A, has been reported in heterozygous state in individuals affected with breast cancer (e.g. Yi_2019, Lerner-Ellis_2021), but it was also found in healthy controls (Dorling_2021). To our knowledge, no experimental evidence demonstrating an impact on protein function has been reported. Four other submitters have provided clinical-significance assessments for this variant in ClinVar after 2014 without evidence for independent evaluation, and classified the variant as pathogenic (n=1) / likely pathogenic (n=3). Based on the evidence outlined above, the variant was classified as likely pathogenic.

Juno Genomics, Hangzhou Juno Genomics, Inc
Classification: Likely pathogenic for Fanconi anemia complementation group C. Review status: criteria provided, single submitter. Criteria: ACMG Guidelines, 2015. Collection method: clinical testing. Allele origin: germline.
Comment: Null variant in a gene where loss of function (LOF) is a known mechanism of disease.;Absent from controls (or at extremely low frequency if recessive) in Genome Aggregation Database.

Leiden Open Variation Database
Classification: Pathogenic for Fanconi anemia complementation group C. Last evaluated: 2020-02-28. Review status: no assertion criteria provided. Collection method: curation. Allele origin: germline. Affected: yes. Not counted in ClinVar's aggregate classification.
Comment: Curator: Arleen D. Auerbach. Submitter to LOVD: Arleen D. Auerbach.

Counsyl
Classification: Likely pathogenic for Fanconi anemia complementation group C. Last evaluated: 2016-01-27. Review status: no assertion criteria provided. Collection method: clinical testing. Allele origin: unknown. Not counted in ClinVar's aggregate classification.

Department of Pathology and Laboratory Medicine, Sinai Health System
Classification: Likely pathogenic for Malignant tumor of breast. Review status: no assertion criteria provided. Collection method: clinical testing. Allele origin: unknown. Affected: yes. Study: The Canadian Open Genetics Repository (COGR). Not counted in ClinVar's aggregate classification.
Comment: The FANCC c.843+1G>A variant was not identified in the literature. The variant was identified in dbSNP (ID: rs587779909) as "With Likely pathogenic allele", in ClinVar (classified as likely pathogenic by Invitae and Counsyl), and in LOVD 3.0 (2x). The variant was identified in control databases in 3 of 277168 chromosomes at a frequency of 0.00001 (Genome Aggregation Database Feb 27, 2017). The variant was observed in the following populations: Latino in 1 of 34414 chromosomes (freq: 0.00003), European in 2 of 126684 chromosomes (freq: 0.00002), while the variant was not observed in the African, Other, Ashkenazi Jewish, East Asian, Finnish or South Asian populations. The c.843+1G>A variant is predicted to cause abnormal splicing because the nucleotide substitution occurs in the invariant region of the splice consensus sequence. In addition, 4 of 4 in silico or computational prediction software programs (SpliceSiteFinder, MaxEntScan, NNSPLICE, GeneSplicer) predict a greater than 10% difference in splicing relative to the normal allele. In summary, based on the above information the clinical significance of this variant cannot be determined with certainty at this time although we would lean towards a more pathogenic role for this variant. This variant is classified as likely pathogenic.

Literature cited by the submitters: PubMed 16199547 (cited by Labcorp Genetics (formerly Invitae), Labcorp); PubMed 17924555 (cited by Labcorp Genetics (formerly Invitae), Labcorp); PubMed 30630526 (cited by 3 submitters); PubMed 32885271 (cited by Labcorp Genetics (formerly Invitae), Labcorp and Women's Health and Genetics/Laboratory Corporation of America, LabCorp); PubMed 29922827 (cited by Ambry Genetics and Women's Health and Genetics/Laboratory Corporation of America, LabCorp); PubMed 33471991 (cited by Women's Health and Genetics/Laboratory Corporation of America, LabCorp).

NM_000136.3(FANCC):c.843+1G>A

Genes: AOPEP (aminopeptidase O (putative); plus strand), FANCC (FA complementation group C; minus strand). Cytogenetic location: 9q22.32.
Variant type: single nucleotide variant.
Coding change: c.843+1G>A on transcript NM_000136.3 (MANE Select); the canonical splice donor site of the intron after coding-DNA position 843, G replaced by A.
Molecular consequence: splice donor variant.
Genome position (GRCh38, 1-based): chr9:95,135,345, C>T on the plus strand (G>A on the coding strand, the complement: FANCC is on the minus strand). VCF-style: chr9-95135345-C-T. GRCh37 (hg19) VCF-style: chr9-97897627-C-T.
Other names: c.843+1G>A (NM_001243743.2, NM_001243744.2).
Identifiers: ClinVar variation 127547 (VCV000127547.29), dbSNP rs587779909, ClinGen allele CA287232.